The following is an entry in ClinVar:

ClinVar aggregate classification (germline): Conflicting classifications of pathogenicity. Review status: criteria provided, conflicting classifications (1 of 4 stars). 2 submissions from 2 submitters: Uncertain significance (1); Likely benign (1). Last evaluated 2018-01-13.

Conditions:
Usher syndrome type 2C. Also called: Usher syndrome, type 2B; USHER SYNDROME, TYPE IIC. Identifiers: Orphanet 231178, Orphanet 886, MedGen C2931213, MONDO:0011558, OMIM 605472.

Allele frequency attached by ClinVar (database versions not stated): TOPMed below 0.00001; gnomAD 0.00001; gnomAD exomes 0.00001.
gnomAD v4.1: 7 of 1,613,194 alleles (0.00043%); highest among the groups gnomAD compares: Non-Finnish European, 0.00059%; no homozygotes.

Submissions (2):

Illumina Laboratory Services, Illumina
Classification: Uncertain significance for Usher syndrome type 2C. Last evaluated: 2018-01-13. Review status: criteria provided, single submitter. Criteria: ICSL Variant Classification Criteria 13 December 2019. Collection method: clinical testing. Allele origin: germline.

Laboratory for Molecular Medicine, Mass General Brigham Personalized Medicine
Classification: Likely benign. Last evaluated: 2013-10-05. Review status: criteria provided, single submitter. Criteria: LMM Criteria. Collection method: clinical testing. Allele origin: germline. Observed: 1 variant allele.
Comment: Gly4163Gly in Exon 61 of GPR98: This variant is not expected to have clinical si gnificance because it does not alter an amino acid residue and is not located wi thin the splice consensus sequence.

NM_032119.4(ADGRV1):c.12489G>C (p.Gly4163=)

Gene: ADGRV1 (adhesion G protein-coupled receptor V1; plus strand). Cytogenetic location: 5q14.3.
Variant type: single nucleotide variant.
Coding change: c.12489G>C on transcript NM_032119.4 (MANE Select); coding-DNA position 12489, G replaced by C.
Protein change: p.Gly4163=; no amino-acid change (glycine 4163 retained).
Molecular consequence: synonymous variant. On other transcripts: non-coding transcript variant (1).
Genome position (GRCh38, 1-based): chr5:90,776,538, G>C. VCF-style: chr5-90776538-G-C. GRCh37 (hg19) VCF-style: chr5-90072355-G-C.
Identifiers: ClinVar variation 163606 (VCV000163606.8), dbSNP rs727503080, ClinGen allele CA176233.